The following is an entry in ClinVar:

ClinVar aggregate classification (germline): Uncertain significance (1 of 4 stars; one submission).

Conditions:
Hereditary pancreatitis (PCTT). Also called: Hereditary chronic pancreatitis; PRSS1-Related Hereditary Pancreatitis. Identifiers: Orphanet 676, MedGen C0238339, MONDO:0008185, OMIM 167800.

gnomAD v4.1: 2 of 1,614,066 alleles (0.00012%); highest among the groups gnomAD compares: Non-Finnish European, 0.00017%; no homozygotes.

Submission:

Ambry Genetics
Classification: Uncertain significance for Hereditary pancreatitis. Last evaluated: 2025-07-30. Review status: criteria provided, single submitter. Criteria: Ambry Variant Classification Scheme 2023. Collection method: clinical testing. Allele origin: germline.
Comment: The p.W404* variant (also known as c.1211G>A), located in coding exon 10 of the CPA1 gene, results from a G to A substitution at nucleotide position 1211. This changes the amino acid from a tryptophan to a stop codon within coding exon 10. This alteration occurs at the 3' terminus of the CPA1 gene, is not expected to trigger nonsense-mediated mRNAdecay, and impacts the last 3.8% of the protein. The exact functional effect of this alteration is unknown. Based on the available evidence, the clinical significance of this variant remains unclear.

NM_001868.4(CPA1):c.1211G>A (p.Trp404Ter)

Gene: CPA1 (carboxypeptidase A1; plus strand). Cytogenetic location: 7q32.2.
Variant type: single nucleotide variant.
Coding change: c.1211G>A on transcript NM_001868.4 (MANE Select); coding-DNA position 1211, G replaced by A.
Protein change: p.Trp404Ter; replaces tryptophan 404 with a stop codon.
Molecular consequence: nonsense.
Genome position (GRCh38, 1-based): chr7:130,387,962, G>A. VCF-style: chr7-130387962-G-A. GRCh37 (hg19) VCF-style: chr7-130027803-G-A.
Other names: short protein forms W404*.
Identifiers: ClinVar variation 4233074 (VCV004233074.1).